The following is an entry in ClinVar:

NM_001458.5(FLNC):c.7546G>C (p.Glu2516Gln)

Genes: FLNC-AS1 (FLNC antisense RNA 1; minus strand), FLNC (filamin C; plus strand). Cytogenetic location: 7q32.1.
Variant type: single nucleotide variant.
Coding change: c.7546G>C on transcript NM_001458.5 (MANE Select); coding-DNA position 7546, G replaced by C.
Protein change: p.Glu2516Gln; replaces glutamic acid 2516 with glutamine.
Molecular consequence: missense variant.
Genome position (GRCh38, 1-based): chr7:128,856,906, G>C. VCF-style: chr7-128856906-G-C. GRCh37 (hg19) VCF-style: chr7-128496960-G-C.
Other names: c.7447G>C, p.Glu2483Gln (NM_001127487.2); short protein forms E2483Q, E2516Q.
Identifiers: ClinVar variation 4812658 (VCV004812658.1).
Genomic context (GRCh38, chr7:128,856,906, plus strand): 5'-GTTGGGGAGCAGAGCCAGGCTGGGGACCCAGGCTTGGTGTCAGCCTACGGTCCTGGGCTC[G>C]AGGGAGGCACTACCGGTGAGTGCCTGGAGCTGGGGAACAGGGTGACTTCTGGGGGTGCTT-3'
Protein context (NP_001449.3, residues 2506-2526): GLVSAYGPGL[Glu2516Gln]GGTTGVSSEF

ClinVar aggregate classification (germline): Uncertain significance (1 of 4 stars; one submission).

Conditions:
Hypertrophic cardiomyopathy 26. Also called: Cardiomyopathy, familial hypertrophic, 26. Identifiers: Orphanet 75249, MedGen C4310749, MONDO:0014883, OMIM 617047.
Myofibrillar myopathy 5. Also called: Filaminopathy (type); FILAMINOPATHY, AUTOSOMAL DOMINANT. Identifiers: Orphanet 171445, MedGen C1836050, MONDO:0012289, OMIM 609524.
Distal myopathy with posterior leg and anterior hand involvement. Also called: WILLIAMS DISTAL MYOPATHY. Identifiers: Orphanet 63273, MedGen C3279722, MONDO:0013550, OMIM 614065.

gnomAD v4.1: 1 of 1,614,040 alleles (0.000062%); no homozygotes.

Submission:

Labcorp Genetics (formerly Invitae), Labcorp
Classification: Uncertain significance for Distal myopathy with posterior leg and anterior hand involvement; Myofibrillar myopathy 5; Hypertrophic cardiomyopathy 26. Last evaluated: 2025-08-03. Review status: criteria provided, single submitter. Criteria: Invitae Variant Classification Sherloc (09022015). Collection method: clinical testing. Allele origin: germline.
Comment: This sequence change replaces glutamic acid, which is acidic and polar, with glutamine, which is neutral and polar, at codon 2516 of the FLNC protein (p.Glu2516Gln). This variant is not present in population databases (gnomAD no frequency). This variant has not been reported in the literature in individuals affected with FLNC-related conditions. Invitae Evidence Modeling of protein sequence and biophysical properties (such as structural, functional, and spatial information, amino acid conservation, physicochemical variation, residue mobility, and thermodynamic stability) indicates that this missense variant is not expected to disrupt FLNC protein function with a negative predictive value of 95%. In summary, the available evidence is currently insufficient to determine the role of this variant in disease. Therefore, it has been classified as a Variant of Uncertain Significance.